The following is an entry in ClinVar:

NM_207361.6(FREM2):c.1192C>G (p.Pro398Ala)

Gene: FREM2 (FRAS1 related extracellular matrix 2; plus strand). Cytogenetic location: 13q13.3.
Variant type: single nucleotide variant.
Coding change: c.1192C>G on transcript NM_207361.6 (MANE Select); coding-DNA position 1192, C replaced by G.
Protein change: p.Pro398Ala; replaces proline 398 with alanine.
Molecular consequence: missense variant.
Genome position (GRCh38, 1-based): chr13:38,688,536, C>G. VCF-style: chr13-38688536-C-G. GRCh37 (hg19) VCF-style: chr13-39262673-C-G.
Other names: c.1192C>G (NM_207361.4); short protein forms P398A.
Identifiers: ClinVar variation 1393442 (VCV001393442.6), dbSNP rs372777373, ClinGen allele CA6954363.
Genomic context (GRCh38, chr13:38,688,536, plus strand): 5'-CTGCCCCTTTCCTCCTTCACTCAGAGGGATCTGCGGCTCCTGAAGATTGCCTACCAGCCC[C>G]CTTCTGAAGACTCTGACCAGGAGCGCCTCTTTGAACTGGAATTGGAGGTAGTGGATCTAG-3'
Protein context (NP_997244.4, residues 388-408): LRLLKIAYQP[Pro398Ala]SEDSDQERLF

ClinVar aggregate classification (germline): Uncertain significance. Review status: criteria provided, multiple submitters, no conflicts (2 of 4 stars). 3 submissions from 3 submitters: Uncertain significance (3). Last evaluated 2024-01-31.

Conditions:
Isolated cryptophthalmia. Also called: Cryptophthalmos, unilateral or bilateral, isolated; ANKYLOBLEPHARON, SIMPLE. Identifiers: Orphanet 91396, MedGen C1852453, MONDO:0007410, OMIM 123570.
Fraser syndrome 2 (FRASRS2). Identifiers: MedGen C4540036, MONDO:0054738, OMIM 617666.
Inborn genetic diseases. Identifiers: MedGen C0950123, MeSH D030342.

Allele frequency attached by ClinVar (database versions not stated): TOPMed 0.00004.
gnomAD v4.1: 86 of 1,613,840 alleles (0.0053%); highest among the groups gnomAD compares: Non-Finnish European, 0.0069%; no homozygotes.

Submissions (3):

Fulgent Genetics
Classification: Uncertain significance for Isolated cryptophthalmia; Fraser syndrome 2. Last evaluated: 2024-01-31. Review status: criteria provided, single submitter. Criteria: ACMG Guidelines, 2015. Collection method: clinical testing. Allele origin: germline.

Ambry Genetics
Classification: Uncertain significance for Inborn genetic diseases. Last evaluated: 2023-12-04. Review status: criteria provided, single submitter. Criteria: Ambry Variant Classification Scheme 2023. Collection method: clinical testing. Allele origin: germline.

Labcorp Genetics (formerly Invitae), Labcorp
Classification: Uncertain significance. Last evaluated: 2021-08-02. Review status: criteria provided, single submitter. Criteria: Invitae Variant Classification Sherloc (09022015). Collection method: clinical testing. Allele origin: germline.
Comment: This sequence change replaces proline with alanine at codon 398 of the FREM2 protein (p.Pro398Ala). The proline residue is highly conserved and there is a small physicochemical difference between proline and alanine. This variant is present in population databases (rs372777373, ExAC 0.003%). This variant has not been reported in the literature in individuals affected with FREM2-related conditions. Algorithms developed to predict the effect of missense changes on protein structure and function are either unavailable or do not agree on the potential impact of this missense change (SIFT: "Deleterious"; PolyPhen-2: "Probably Damaging"; Align-GVGD: "Class C0"). In summary, the available evidence is currently insufficient to determine the role of this variant in disease. Therefore, it has been classified as a Variant of Uncertain Significance.